The following is an entry in ClinVar:

NM_000054.7(AVPR2):c.359T>C (p.Met120Thr)

Gene: AVPR2 (arginine vasopressin receptor 2; plus strand). Cytogenetic location: Xq28.
Variant type: single nucleotide variant.
Coding change: c.359T>C on transcript NM_000054.7 (MANE Select); coding-DNA position 359, T replaced by C.
Protein change: p.Met120Thr; replaces methionine 120 with threonine.
Molecular consequence: missense variant.
Genome position (GRCh38, 1-based): chrX:153,905,865, T>C. VCF-style: chrX-153905865-T-C. GRCh37 (hg19) VCF-style: chrX-153171319-T-C.
Other names: c.359T>C, p.Met120Thr (NM_001146151.3); short protein forms M120T.
Identifiers: ClinVar variation 429677 (VCV000429677.4), dbSNP rs782323704, ClinGen allele CA10554993.
Genomic context (GRCh38, chrX:153,905,865, plus strand): 5'-AGGCCACCGACCGCTTCCGTGGGCCAGATGCCCTGTGTCGGGCCGTGAAGTATCTGCAGA[T>C]GGTGGGCATGTATGCCTCCTCCTACATGATCCTGGCCATGACGCTGGACCGCCACCGTGC-3'
Protein context (NP_000045.1, residues 110-130): ALCRAVKYLQ[Met120Thr]VGMYASSYMI

ClinVar aggregate classification (germline): Uncertain significance. Review status: criteria provided, multiple submitters, no conflicts (2 of 4 stars). 2 submissions from 2 submitters: Uncertain significance (2). Last evaluated 2022-05-07.

Conditions:
Diabetes insipidus, nephrogenic, X-linked. Also called: Nephrogenic Diabetes Insipidus, Type I. Identifiers: Orphanet 223, MedGen C1563705, MONDO:0010581, OMIM 304800.
Nephrogenic syndrome of inappropriate antidiuresis (NSIAD). Identifiers: Orphanet 93606, MedGen C1845202, MONDO:0010356, OMIM 300539.

Allele frequency attached by ClinVar (database versions not stated): gnomAD exomes 0.00001; 1000 Genomes Project 30x 0.00021; ExAC 0.00001; 1000 Genomes Project 0.00026.

Submissions (2):

Fulgent Genetics
Classification: Uncertain significance for Nephrogenic syndrome of inappropriate antidiuresis; Diabetes insipidus, nephrogenic, X-linked. Last evaluated: 2022-05-07. Review status: criteria provided, single submitter. Criteria: ACMG Guidelines, 2015. Collection method: clinical testing. Allele origin: unknown.

GeneDx
Classification: Uncertain significance. Last evaluated: 2021-01-02. Review status: criteria provided, single submitter. Criteria: GeneDx Variant Classification Process June 2021. Collection method: clinical testing. Allele origin: germline. Affected: yes.
Comment: In silico analysis supports that this missense variant has a deleterious effect on protein structure/function; Has not been previously published as pathogenic or benign to our knowledge